The following is an entry in ClinVar:

NM_002900.3(RBP3):c.1808G>C (p.Gly603Ala)

Gene: RBP3 (retinol binding protein 3; plus strand). Cytogenetic location: 10q11.22.
Variant type: single nucleotide variant.
Coding change: c.1808G>C on transcript NM_002900.3 (MANE Select); coding-DNA position 1808, G replaced by C.
Protein change: p.Gly603Ala; replaces glycine 603 with alanine.
Molecular consequence: missense variant.
Genome position (GRCh38, 1-based): chr10:47,350,292, G>C. VCF-style: chr10-47350292-G-C. GRCh37 (hg19) VCF-style: chr10-48389070-C-G.
Other names: short protein forms G603A.
Identifiers: ClinVar variation 1479643 (VCV001479643.8), dbSNP rs990944541, ClinGen allele CA376671527.

ClinVar aggregate classification (germline): Uncertain significance (1 of 4 stars; one submission).

Allele frequency attached by ClinVar (database versions not stated): gnomAD 0.00001; gnomAD exomes 0.00001; TOPMed 0.00001.
gnomAD v4.1: 10 of 1,609,148 alleles (0.00062%); highest among the groups gnomAD compares: Non-Finnish European, 0.00085%; no homozygotes.

Submission:

Labcorp Genetics (formerly Invitae), Labcorp
Classification: Uncertain significance. Last evaluated: 2022-07-05. Review status: criteria provided, single submitter. Criteria: Invitae Variant Classification Sherloc (09022015). Collection method: clinical testing. Allele origin: germline.
Comment: This variant is not present in population databases (gnomAD no frequency). In summary, the available evidence is currently insufficient to determine the role of this variant in disease. Therefore, it has been classified as a Variant of Uncertain Significance. Algorithms developed to predict the effect of missense changes on protein structure and function are either unavailable or do not agree on the potential impact of this missense change (SIFT: "Deleterious"; PolyPhen-2: "Possibly Damaging"; Align-GVGD: "Class C0"). ClinVar contains an entry for this variant (Variation ID: 1479643). This variant has not been reported in the literature in individuals affected with RBP3-related conditions. This sequence change replaces glycine, which is neutral and non-polar, with alanine, which is neutral and non-polar, at codon 603 of the RBP3 protein (p.Gly603Ala).